The following is an entry in ClinVar:

ClinVar aggregate classification (germline): Pathogenic (1 of 4 stars; one submission).

Conditions:
Ataxia-telangiectasia syndrome (AT). Also called: AT, COMPLEMENTATION GROUP C; Ataxia-telangiectasia, complementation group D; Cerebello-oculocutaneous telangiectasia; Immunodeficiency with ataxia telangiectasia; LOUIS-BAR SYNDROME; Ataxia telangiectasia (A-T). Identifiers: Orphanet 100, MedGen C0004135, MONDO:0008840, OMIM 208900.

Submission:

Labcorp Genetics (formerly Invitae), Labcorp
Classification: Pathogenic for Ataxia-telangiectasia syndrome. Last evaluated: 2025-02-03. Review status: criteria provided, single submitter. Criteria: Invitae Variant Classification Sherloc (09022015). Collection method: clinical testing. Allele origin: germline.
Comment: This sequence change creates a premature translational stop signal (p.Trp266Glyfs*10) in the ATM gene. It is expected to result in an absent or disrupted protein product. Loss-of-function variants in ATM are known to be pathogenic (PMID: 23807571, 25614872). This variant is not present in population databases (gnomAD no frequency). This variant has not been reported in the literature in individuals affected with ATM-related conditions. For these reasons, this variant has been classified as Pathogenic.

Literature cited by the submitters: PubMed 23807571; PubMed 25614872.

NM_000051.4(ATM):c.796del (p.Trp266fs)

Gene: ATM (ATM serine/threonine kinase; plus strand). Cytogenetic location: 11q22.3.
Variant type: Deletion.
Coding change: c.796del on transcript NM_000051.4 (MANE Select); coding-DNA position 796, one base deleted (T; older notation c.796delT).
Protein change: p.Trp266fs; shifts the reading frame from tryptophan 266.
Molecular consequence: frameshift variant.
Genome position (GRCh38, 1-based): chr11:108,244,921, T deleted; the last of 3 consecutive T bases (chr11:108,244,919-108,244,921); deleting any one gives the same sequence. VCF-style (leftmost placement, unchanged base first): chr11-108244918-AT-A. GRCh37 (hg19) VCF-style: chr11-108115645-AT-A.
Other names: c.796del, p.Trp266fs (NM_001351834.2); short protein forms W266fs.
Identifiers: ClinVar variation 4712201 (VCV004712201.1).